The following is an entry in ClinVar:

NM_198578.4(LRRK2):c.5562G>C (p.Gln1854His)

Gene: LRRK2 (leucine rich repeat kinase 2; plus strand). Cytogenetic location: 12q12.
Variant type: single nucleotide variant.
Coding change: c.5562G>C on transcript NM_198578.4 (MANE Select); coding-DNA position 5562, G replaced by C.
Protein change: p.Gln1854His; replaces glutamine 1854 with histidine.
Molecular consequence: missense variant.
Genome position (GRCh38, 1-based): chr12:40,323,212, G>C. VCF-style: chr12-40323212-G-C. GRCh37 (hg19) VCF-style: chr12-40717014-G-C.
Other names: short protein forms Q1854H.
Identifiers: ClinVar variation 3229701 (VCV003229701.1), dbSNP rs755601544, ClinGen allele CA6514481.

ClinVar aggregate classification (germline): Uncertain significance (1 of 4 stars; one submission).

Conditions:
Inborn genetic diseases. Identifiers: MedGen C0950123, MeSH D030342.

Allele frequency attached by ClinVar (database versions not stated): gnomAD exomes below 0.00001; ExAC 0.00001.
gnomAD v4.1: 1 of 1,613,166 alleles (0.000062%); highest among the groups gnomAD compares: Non-Finnish European, 0.000085%; no homozygotes.

Submission:

Ambry Genetics
Classification: Uncertain significance for Inborn genetic diseases. Last evaluated: 2024-02-20. Review status: criteria provided, single submitter. Criteria: Ambry Variant Classification Scheme 2023. Collection method: clinical testing. Allele origin: germline.
Comment: The p.Q1854H variant (also known as c.5562G>C), located in coding exon 38 of the LRRK2 gene, results from a G to C substitution at nucleotide position 5562. The glutamine at codon 1854 is replaced by histidine, an amino acid with highly similar properties. This amino acid position is conserved. In addition, this alteration is predicted to be tolerated by in silico analysis. Based on the available evidence, the clinical significance of this alteration remains unclear.